The following is an entry in ClinVar:

ClinVar aggregate classification (germline): Uncertain significance. Review status: criteria provided, multiple submitters, no conflicts (2 of 4 stars). 2 submissions from 2 submitters: Uncertain significance (2). Last evaluated 2025-09-10.

Conditions:
Hereditary cancer-predisposing syndrome. Also called: Tumor predisposition; Neoplastic Syndromes, Hereditary; Hereditary neoplastic syndrome; Hereditary Cancer Syndrome. Identifiers: Orphanet 140162, MedGen C0027672, MeSH D009386, MONDO:0015356.

Submissions (2):

Labcorp Genetics (formerly Invitae), Labcorp
Classification: Uncertain significance. Last evaluated: 2025-09-10. Review status: criteria provided, single submitter. Criteria: Invitae Variant Classification Sherloc (09022015). Collection method: clinical testing. Allele origin: germline.
Comment: This sequence change replaces serine, which is neutral and polar, with phenylalanine, which is neutral and non-polar, at codon 964 of the POLE protein (p.Ser964Phe). This variant is not present in population databases (gnomAD no frequency). This variant has not been reported in the literature in individuals affected with POLE-related conditions. ClinVar contains an entry for this variant (Variation ID: 1018035). Invitae Evidence Modeling of protein sequence and biophysical properties (such as structural, functional, and spatial information, amino acid conservation, physicochemical variation, residue mobility, and thermodynamic stability) indicates that this missense variant is expected to disrupt POLE protein function with a positive predictive value of 80%. In summary, the available evidence is currently insufficient to determine the role of this variant in disease. Therefore, it has been classified as a Variant of Uncertain Significance.

Ambry Genetics
Classification: Uncertain significance for Hereditary cancer-predisposing syndrome. Last evaluated: 2025-01-16. Review status: criteria provided, single submitter. Criteria: Ambry Variant Classification Scheme 2023. Collection method: clinical testing. Allele origin: germline.

NM_006231.4(POLE):c.2891C>T (p.Ser964Phe)

Gene: POLE (DNA polymerase epsilon, catalytic subunit; minus strand). Cytogenetic location: 12q24.33.
Variant type: single nucleotide variant.
Coding change: c.2891C>T on transcript NM_006231.4 (MANE Select); coding-DNA position 2891, C replaced by T.
Protein change: p.Ser964Phe; replaces serine 964 with phenylalanine.
Molecular consequence: missense variant.
Genome position (GRCh38, 1-based): chr12:132,661,138, G>A on the plus strand (C>T on the coding strand, the complement: POLE is on the minus strand). VCF-style: chr12-132661138-G-A. GRCh37 (hg19) VCF-style: chr12-133237724-G-A.
Other names: c.2891C>T (NM_006231.2); short protein forms S964F.
Identifiers: ClinVar variation 1018035 (VCV001018035.9), dbSNP rs2042671209, ClinGen allele CA387392832.